The following is an entry in ClinVar:

NM_000553.6(WRN):c.1790C>G (p.Pro597Arg)

Gene: WRN (WRN RecQ like helicase; plus strand). Cytogenetic location: 8p12.
Variant type: single nucleotide variant.
Coding change: c.1790C>G on transcript NM_000553.6 (MANE Select); coding-DNA position 1790, C replaced by G.
Protein change: p.Pro597Arg; replaces proline 597 with arginine.
Molecular consequence: missense variant.
Genome position (GRCh38, 1-based): chr8:31,090,903, C>G. VCF-style: chr8-31090903-C-G. GRCh37 (hg19) VCF-style: chr8-30948419-C-G.
Other names: short protein forms P597R.
Identifiers: ClinVar variation 934918 (VCV000934918.5), dbSNP rs1813723319, ClinGen allele CA370928008.

ClinVar aggregate classification (germline): Uncertain significance (1 of 4 stars; one submission).

Conditions:
Werner syndrome (WRN). Identifiers: Orphanet 902, MedGen C0043119, MONDO:0010196, OMIM 277700.

Submission:

Labcorp Genetics (formerly Invitae), Labcorp
Classification: Uncertain significance for Werner syndrome. Last evaluated: 2024-01-13. Review status: criteria provided, single submitter. Criteria: Invitae Variant Classification Sherloc (09022015). Collection method: clinical testing. Allele origin: germline.
Comment: This sequence change replaces proline, which is neutral and non-polar, with arginine, which is basic and polar, at codon 597 of the WRN protein (p.Pro597Arg). This variant is not present in population databases (gnomAD no frequency). This variant has not been reported in the literature in individuals affected with WRN-related conditions. ClinVar contains an entry for this variant (Variation ID: 934918). An algorithm developed to predict the effect of missense changes on protein structure and function (PolyPhen-2) suggests that this variant is likely to be disruptive. In summary, the available evidence is currently insufficient to determine the role of this variant in disease. Therefore, it has been classified as a Variant of Uncertain Significance.